The following is an entry in ClinVar:

NM_006939.4(SOS2):c.2955G>A (p.Met985Ile)

Gene: SOS2 (SOS Ras/Rho guanine nucleotide exchange factor 2; minus strand). Cytogenetic location: 14q21.3.
Variant type: single nucleotide variant.
Coding change: c.2955G>A on transcript NM_006939.4 (MANE Select); coding-DNA position 2955, G replaced by A.
Protein change: p.Met985Ile; replaces methionine 985 with isoleucine.
Molecular consequence: missense variant.
Genome position (GRCh38, 1-based): chr14:50,138,615, C>T on the plus strand (G>A on the coding strand, the complement: SOS2 is on the minus strand). VCF-style: chr14-50138615-C-T. GRCh37 (hg19) VCF-style: chr14-50605333-C-T.
Other names: c.2955G>A (NM_006939.3, NM_006939.2); short protein forms M985I.
Identifiers: ClinVar variation 1404473 (VCV001404473.8), dbSNP rs367670036, ClinGen allele CA7176918.

ClinVar aggregate classification (germline): Conflicting classifications of pathogenicity. Review status: criteria provided, conflicting classifications (1 of 4 stars). 3 submissions from 3 submitters: Uncertain significance (1); Likely benign (1). 1 of the submissions does not count toward it. Last evaluated 2026-06-09.

Conditions:
SOS2-related disorder. Also called: SOS2-related condition.
Cardiovascular phenotype. Identifiers: MedGen CN230736.
Noonan syndrome 9 (NS9). Identifiers: Orphanet 648, MedGen C4225282, MONDO:0014691, OMIM 616559.

Allele frequency attached by ClinVar (database versions not stated): gnomAD 0.00005; ESP Exome Variant Server 0.00008; ExAC 0.00002; gnomAD exomes 0.00002.
gnomAD v4.1: 31 of 1,497,438 alleles (0.0021%); highest among the groups gnomAD compares: Non-Finnish European, 0.0028%; no homozygotes.

Submissions (3):

Ambry Genetics
Classification: Uncertain significance for Cardiovascular phenotype. Last evaluated: 2026-06-09. Review status: criteria provided, single submitter. Criteria: Ambry Variant Classification Scheme 2023. Collection method: clinical testing. Allele origin: germline.
Comment: The p.M985I variant (also known as c.2955G>A), located in coding exon 18 of the SOS2 gene, results from a G to A substitution at nucleotide position 2955. The methionine at codon 985 is replaced by isoleucine, an amino acid with highly similar properties. This amino acid position is conserved. In addition, this alteration is predicted to be tolerated by in silico analysis. Based on the available evidence, the clinical significance of this variant remains unclear.

Labcorp Genetics (formerly Invitae), Labcorp
Classification: Likely benign for Noonan syndrome 9. Last evaluated: 2024-10-10. Review status: criteria provided, single submitter. Criteria: Invitae Variant Classification Sherloc (09022015). Collection method: clinical testing. Allele origin: germline.

PreventionGenetics, part of Exact Sciences
Classification: Uncertain significance for SOS2-related condition. Last evaluated: 2024-09-18. Review status: no assertion criteria provided. Collection method: clinical testing. Allele origin: germline. Not counted in ClinVar's aggregate classification.
Comment: The SOS2 c.2955G>A variant is predicted to result in the amino acid substitution p.Met985Ile. To our knowledge, this variant has not been reported in the literature. This variant is reported in 0.0055% of alleles in individuals of European (Non-Finnish) descent in gnomAD. At this time, the clinical significance of this variant is uncertain due to the absence of conclusive functional and genetic evidence.